The following is an entry in ClinVar:

NM_001943.5(DSG2):c.176G>A (p.Arg59Gln)

Gene: DSG2 (desmoglein 2; plus strand). Cytogenetic location: 18q12.1.
Variant type: single nucleotide variant.
Coding change: c.176G>A on transcript NM_001943.5 (MANE Select); coding-DNA position 176, G replaced by A.
Protein change: p.Arg59Gln; replaces arginine 59 with glutamine.
Molecular consequence: missense variant.
Genome position (GRCh38, 1-based): chr18:31,519,897, G>A. VCF-style: chr18-31519897-G-A. GRCh37 (hg19) VCF-style: chr18-29099860-G-A.
Other names: c.176G>A (NM_001943.3); short protein forms R59Q.
Identifiers: ClinVar variation 629636 (VCV000629636.13), dbSNP rs768794560, ClinGen allele CA043630.

ClinVar aggregate classification (germline): Uncertain significance. Review status: criteria provided, multiple submitters, no conflicts (2 of 4 stars). 4 submissions from 4 submitters: Uncertain significance (4). Last evaluated 2024-10-16.

Conditions:
Cardiovascular phenotype. Identifiers: MedGen CN230736.
Cardiomyopathy (CMYO). Also called: Cardiomyopathies. Identifiers: Orphanet 167848, MedGen C0878544, MONDO:0004994, HP:0001638. Inheritance: Various modes of inheritance.
Arrhythmogenic right ventricular cardiomyopathy (ARVD). Also called: Arrhythmogenic cardiomyopathy; Cardiomyopathy, ARVC; Arrhythmogenic right ventricular dysplasia; Arrhythmogenic Right Ventricular Cardiomyopathy (ARVC). Identifiers: Orphanet 247, MedGen C0349788, MeSH D019571, MONDO:0016587. Disease mechanism: loss of function. Inheritance: Various modes of inheritance.
Arrhythmogenic right ventricular dysplasia 10. Also called: Arrhythmogenic Right Ventricular Dysplasia/Cardiomyopathy10; ARRHYTHMOGENIC RIGHT VENTRICULAR DYSPLASIA, FAMILIAL, 10; Arrhythmogenic right ventricular dysplasia/cardiomyopathy, type 10. Identifiers: MedGen C1857777, MONDO:0012434, OMIM 610193.

Allele frequency attached by ClinVar (database versions not stated): gnomAD exomes 0.00001; TOPMed 0.00001; ExAC 0.00002.
gnomAD v4.1: 12 of 1,614,094 alleles (0.00074%); highest among the groups gnomAD compares: Middle Eastern, 0.016%; no homozygotes.

Submissions (4):

Labcorp Genetics (formerly Invitae), Labcorp
Classification: Uncertain significance for Arrhythmogenic right ventricular dysplasia 10. Last evaluated: 2024-10-16. Review status: criteria provided, single submitter. Criteria: Invitae Variant Classification Sherloc (09022015). Collection method: clinical testing. Allele origin: germline.
Comment: This sequence change replaces arginine, which is basic and polar, with glutamine, which is neutral and polar, at codon 59 of the DSG2 protein (p.Arg59Gln). This variant is present in population databases (rs768794560, gnomAD 0.003%). This variant has not been reported in the literature in individuals affected with DSG2-related conditions. ClinVar contains an entry for this variant (Variation ID: 629636). Invitae Evidence Modeling of protein sequence and biophysical properties (such as structural, functional, and spatial information, amino acid conservation, physicochemical variation, residue mobility, and thermodynamic stability) indicates that this missense variant is not expected to disrupt DSG2 protein function with a negative predictive value of 95%. In summary, the available evidence is currently insufficient to determine the role of this variant in disease. Therefore, it has been classified as a Variant of Uncertain Significance.

All of Us Research Program, National Institutes of Health
Classification: Uncertain significance for Arrhythmogenic right ventricular cardiomyopathy. Last evaluated: 2024-09-23. Review status: criteria provided, single submitter. Criteria: ACMG Guidelines, 2015. Collection method: clinical testing. Allele origin: germline. Inheritance: Autosomal dominant inheritance. Observed: 3 variant alleles, 3 heterozygotes.
Comment: Variant of Uncertain Significance due to insufficient evidence: This missense variant is located in the extracellular cadherin domain 1 of the DSG2 protein. Computational prediction tools and conservation analyses are inconclusive regarding the impact of this variant on the protein function. Computational splicing tools suggest that this variant may not impact RNA splicing. To our knowledge, functional assays have not been performed for this variant nor has this variant been reported in individuals affected with cardiovascular disorders in the literature. This variant has been identified in 3/246134 chromosomes in the general population by the Genome Aggregation Database (gnomAD). Available evidence is insufficient to determine the pathogenicity of this variant conclusively.

This study involves interpretation of variants in research participants for the purpose of population health screening. Participant phenotype was not available at the time of variant classification. Additional details can be found in publication PMID: 35346344, PMCID: PMC8962531

Color Diagnostics, LLC DBA Color Health
Classification: Uncertain significance for Cardiomyopathy. Last evaluated: 2024-02-07. Review status: criteria provided, single submitter. Criteria: ACMG Guidelines, 2015. Collection method: clinical testing. Allele origin: germline.
Comment: This missense variant replaces arginine with glutamine at codon 59 of the DSG2 protein. Computational prediction suggests that this variant may not impact protein structure and function (internally defined REVEL score threshold <= 0.5, PMID: 27666373). To our knowledge, functional studies have not been reported for this variant. This variant has not been reported in individuals affected with DSG2-related disorders in the literature. This variant has been identified in 3/249488 chromosomes in the general population by the Genome Aggregation Database (gnomAD). The available evidence is insufficient to determine the role of this variant in disease conclusively. Therefore, this variant is classified as a Variant of Uncertain Significance.

Ambry Genetics
Classification: Uncertain significance for Cardiovascular phenotype. Last evaluated: 2021-08-10. Review status: criteria provided, single submitter. Criteria: Ambry Variant Classification Scheme 2023. Collection method: clinical testing. Allele origin: germline.